The following is an entry in ClinVar:

NM_015338.6(ASXL1):c.641G>A (p.Ser214Asn)

Gene: ASXL1 (ASXL transcriptional regulator 1; plus strand). Cytogenetic location: 20q11.21.
Variant type: single nucleotide variant.
Coding change: c.641G>A on transcript NM_015338.6 (MANE Select); coding-DNA position 641, G replaced by A.
Protein change: p.Ser214Asn; replaces serine 214 with asparagine.
Molecular consequence: missense variant. On other transcripts: intron variant (1).
Genome position (GRCh38, 1-based): chr20:32,429,976, G>A. VCF-style: chr20-32429976-G-A. GRCh37 (hg19) VCF-style: chr20-31017779-G-A.
Other names: c.535+545G>A (NM_001363734.1); short protein forms S214N.
Identifiers: ClinVar variation 3957723 (VCV003957723.1).
Genomic context (GRCh38, chr20:32,429,976, plus strand): 5'-ACGCCGATGGCGAGAGCGGCAGCCCGTCCAGCAGCAGCAGCGGCTCTCTGGCCCTGGGCA[G>A]CGCTGCTATTCGTGGCCAGGCCGAGGTCACCCAGGACCCTGCCCCGCTCCTGAGAGGCTT-3'
Protein context (NP_056153.2, residues 204-224): SSSSGSLALG[Ser214Asn]AAIRGQAEVT

ClinVar aggregate classification (germline): Uncertain significance (1 of 4 stars; one submission).

Conditions:
Inborn genetic diseases. Identifiers: MedGen C0950123, MeSH D030342.

gnomAD v4.1: 1 of 1,609,128 alleles (0.000062%); highest among the groups gnomAD compares: Non-Finnish European, 0.000085%; no homozygotes.

Submission:

Ambry Genetics
Classification: Uncertain significance for Inborn genetic diseases. Last evaluated: 2025-06-08. Review status: criteria provided, single submitter. Criteria: Ambry Variant Classification Scheme 2023. Collection method: clinical testing. Allele origin: germline.
Comment: The p.S214N variant (also known as c.641G>A), located in coding exon 8 of the ASXL1 gene, results from a G to A substitution at nucleotide position 641. The serine at codon 214 is replaced by asparagine, an amino acid with highly similar properties. This amino acid position is conserved. In addition, this alteration is predicted to be tolerated by in silico analysis. Based on the available evidence, the clinical significance of this variant remains unclear.